The following is an entry in ClinVar:

ClinVar aggregate classification (germline): Uncertain significance (1 of 4 stars; one submission).

Submission:

Labcorp Genetics (formerly Invitae), Labcorp
Classification: Uncertain significance. Last evaluated: 2022-06-20. Review status: criteria provided, single submitter. Criteria: Invitae Variant Classification Sherloc (09022015). Collection method: clinical testing. Allele origin: germline.
Comment: This sequence change replaces leucine, which is neutral and non-polar, with proline, which is neutral and non-polar, at codon 129 of the ACO2 protein (p.Leu129Pro). This variant is not present in population databases (gnomAD no frequency). In summary, the available evidence is currently insufficient to determine the role of this variant in disease. Therefore, it has been classified as a Variant of Uncertain Significance. Advanced modeling of protein sequence and biophysical properties (such as structural, functional, and spatial information, amino acid conservation, physicochemical variation, residue mobility, and thermodynamic stability) performed at Invitae indicates that this missense variant is expected to disrupt ACO2 protein function. This variant has not been reported in the literature in individuals affected with ACO2-related conditions.

NM_001098.3(ACO2):c.386T>C (p.Leu129Pro)

Gene: ACO2 (aconitase 2; plus strand). Cytogenetic location: 22q13.2.
Variant type: single nucleotide variant.
Coding change: c.386T>C on transcript NM_001098.3 (MANE Select); coding-DNA position 386, T replaced by C.
Protein change: p.Leu129Pro; replaces leucine 129 with proline.
Molecular consequence: missense variant.
Genome position (GRCh38, 1-based): chr22:41,508,003, T>C. VCF-style: chr22-41508003-T-C. GRCh37 (hg19) VCF-style: chr22-41904007-T-C.
Other names: short protein forms L129P.
Identifiers: ClinVar variation 1347840 (VCV001347840.8), dbSNP rs2146115876, ClinGen allele CA411713901.
Genomic context (GRCh38, chr22:41,508,003, plus strand): 5'-AGTTCATCAGCAGCGGGCTGTCCAAGGTGGCTGTGCCATCCACCATCCACTGTGACCATC[T>C]GATTGAAGCCCAGGTTGGGGGCGAGAAAGACCTGCGCCGGGCCAAGGTGAGCAGAAGGTG-3'
Protein context (NP_001089.1, residues 119-139): AVPSTIHCDH[Leu129Pro]IEAQVGGEKD